The following is an entry in ClinVar:

NM_001127649.3(PEX26):c.262G>A (p.Val88Met)

Gene: PEX26 (peroxisomal biogenesis factor 26; plus strand). Cytogenetic location: 22q11.21.
Variant type: single nucleotide variant.
Coding change: c.262G>A on transcript NM_001127649.3 (MANE Select); coding-DNA position 262, G replaced by A.
Protein change: p.Val88Met; replaces valine 88 with methionine.
Molecular consequence: missense variant.
Genome position (GRCh38, 1-based): chr22:18,079,905, G>A. VCF-style: chr22-18079905-G-A. GRCh37 (hg19) VCF-style: chr22-18562671-G-A.
Other names: c.262G>A, p.Val88Met (NM_001199319.2, NM_017929.6); short protein forms V88M.
Identifiers: ClinVar variation 1025972 (VCV001025972.6), dbSNP rs555951210, ClinGen allele CA410265626.

ClinVar aggregate classification (germline): Uncertain significance (1 of 4 stars; one submission).

Conditions:
Peroxisome biogenesis disorder 7A (Zellweger). Also called: Peroxisome biogenesis disorder 7A. Identifiers: Orphanet 912, MedGen C3888385, MONDO:0013938, OMIM 614872.
Peroxisome biogenesis disorder 7B (PBD7B). Identifiers: Orphanet 44, MedGen C3553951, MONDO:0013939, OMIM 614873.

gnomAD v4.1: 1 of 1,614,150 alleles (0.000062%); highest among the groups gnomAD compares: Non-Finnish European, 0.000085%; no homozygotes.

Submission:

Labcorp Genetics (formerly Invitae), Labcorp
Classification: Uncertain significance for Peroxisome biogenesis disorder 7A (Zellweger); Peroxisome biogenesis disorder 7B. Last evaluated: 2022-05-13. Review status: criteria provided, single submitter. Criteria: Invitae Variant Classification Sherloc (09022015). Collection method: clinical testing. Allele origin: germline.
Comment: This sequence change replaces valine, which is neutral and non-polar, with methionine, which is neutral and non-polar, at codon 88 of the PEX26 protein (p.Val88Met). This variant is not present in population databases (gnomAD no frequency). This variant has not been reported in the literature in individuals affected with PEX26-related conditions. ClinVar contains an entry for this variant (Variation ID: 1025972). Algorithms developed to predict the effect of missense changes on protein structure and function are either unavailable or do not agree on the potential impact of this missense change (SIFT: "Deleterious"; PolyPhen-2: "Probably Damaging"; Align-GVGD: "Class C0"). In summary, the available evidence is currently insufficient to determine the role of this variant in disease. Therefore, it has been classified as a Variant of Uncertain Significance.